The following is an entry in ClinVar:

ClinVar aggregate classification (germline): Likely benign. Review status: criteria provided, multiple submitters, no conflicts (2 of 4 stars). 7 submissions from 7 submitters: Likely benign (7). Last evaluated 2026-03-18.

Conditions:
Hereditary cancer-predisposing syndrome. Also called: Tumor predisposition; Hereditary Cancer Syndrome; Hereditary neoplastic syndrome; Neoplastic Syndromes, Hereditary. Identifiers: Orphanet 140162, MedGen C0027672, MeSH D009386, MONDO:0015356.
POLE-related disorder. Also called: POLE-related disorders; POLE-related condition.
Colorectal cancer, susceptibility to, 12 (CRCS12). Also called: COLORECTAL CANCER, SUSCEPTIBILITY TO, ON CHROMOSOME 12q24. Identifiers: Orphanet 220460, MedGen C3554460, MONDO:0014038, OMIM 615083.

Allele frequency attached by ClinVar (database versions not stated): gnomAD 0.00004 and 0.00003; gnomAD exomes 0.00004 and 0.00005; TOPMed 0.00006; ESP Exome Variant Server 0.00008; ExAC 0.00004.
gnomAD v4.1: 69 of 1,613,428 alleles (0.0043%); highest among the groups gnomAD compares: Middle Eastern, 0.049%; no homozygotes.

Submissions (7):

PreventionGenetics, part of Exact Sciences
Classification: Likely benign for POLE-related condition. Last evaluated: 2026-03-18. Review status: criteria provided, single submitter. Criteria: ACMG Guidelines, 2015. Collection method: clinical testing. Allele origin: germline.
Comment: This variant is classified as likely benign based on ACMG/AMP sequence variant interpretation guidelines (Richards et al. 2015 PMID: 25741868, with internal and published modifications).

CeGaT Center for Human Genetics Tuebingen
Classification: Likely benign. Last evaluated: 2026-03-01. Review status: criteria provided, single submitter. Criteria: CeGaT Center For Human Genetics Tuebingen Variant Classification Criteria Version 2. Collection method: clinical testing. Allele origin: germline. Affected: yes. Observed: 2 variant alleles.
Comment: POLE: BP4, BP7

Labcorp Genetics (formerly Invitae), Labcorp
Classification: Likely benign. Last evaluated: 2025-12-15. Review status: criteria provided, single submitter. Criteria: Invitae Variant Classification Sherloc (09022015). Collection method: clinical testing. Allele origin: germline.

Ambry Genetics
Classification: Likely benign for Hereditary cancer-predisposing syndrome. Last evaluated: 2025-04-10. Review status: criteria provided, single submitter. Criteria: Ambry Variant Classification Scheme 2023. Collection method: clinical testing. Allele origin: germline.

Center for Genomic Medicine, Rigshospitalet, Copenhagen University Hospital
Classification: Likely benign. Last evaluated: 2025-03-04. Review status: criteria provided, single submitter. Criteria: ACMG Guidelines, 2015. Collection method: clinical testing. Allele origin: germline.

Mendelics
Classification: Likely benign for Colorectal cancer, susceptibility to, 12. Last evaluated: 2019-05-28. Review status: criteria provided, single submitter. Criteria: Mendelics Assertion Criteria 2017. Collection method: clinical testing. Allele origin: unknown.

GeneDx
Classification: Likely benign. Last evaluated: 2018-10-05. Review status: criteria provided, single submitter. Criteria: GeneDx Variant Classification Process June 2021. Collection method: clinical testing. Allele origin: germline. Affected: yes.

NM_006231.4(POLE):c.3939G>A (p.Thr1313=)

Gene: POLE (DNA polymerase epsilon, catalytic subunit; minus strand). Cytogenetic location: 12q24.33.
Variant type: single nucleotide variant.
Coding change: c.3939G>A on transcript NM_006231.4 (MANE Select); coding-DNA position 3939, G replaced by A.
Protein change: p.Thr1313=; no amino-acid change (threonine 1313 retained).
Molecular consequence: synonymous variant.
Genome position (GRCh38, 1-based): chr12:132,649,372, C>T on the plus strand (G>A on the coding strand, the complement: POLE is on the minus strand). VCF-style: chr12-132649372-C-T. GRCh37 (hg19) VCF-style: chr12-133225958-C-T.
Identifiers: ClinVar variation 380764 (VCV000380764.59), dbSNP rs150282789, ClinGen allele CA6893047.
Genomic context (GRCh38, chr12:132,649,372, plus strand): 5'-AATCTGCCACGGAAGGTCCAGGATGCTGCGGGCAGTTCTTCGCAAGAAGCTCCCCAGCCC[C>T]GTGGCAGGACCATCCCGGATGGCCCCGGGCCTGAGCACACCCTCTGCCGACTCCAGACGC-3'
Protein context (NP_006222.2, residues 1303-1323): RPGAIRDGPA[Thr1313=]GLGSFLRRTA